The following is an entry in ClinVar:

ClinVar aggregate classification (germline): Conflicting classifications of pathogenicity. Review status: criteria provided, conflicting classifications (1 of 4 stars). 2 submissions from 2 submitters: Likely pathogenic, low penetrance (1); Uncertain significance (1). Last evaluated 2025-09-26.

Conditions:
CFI-related disorder. Also called: CFI-related condition; CFI-related disorders. Identifiers: MedGen CN239325.

Submissions (2):

Genomenon, Inc
Classification: Likely pathogenic, low penetrance for CFI-related disorder. Last evaluated: 2025-09-26. Review status: criteria provided, single submitter. Criteria: Genomenon Sequence Variant Interpretation Standards - Updated. Collection method: curation. Allele origin: germline. Affected: no.
Comment: CFI p.Gly547Arg (c.1639G>A) is a missense variant that changes the amino acid at residue 547 from Glycine to Arginine. To our knowledge, this variant has not been reported in patients affected with CFI-related disorders in the published literature. At least one functional study has demonstrated a substantial alteration in protein function relative to the wild-type (PMID:39584280). It is absent or not present at a significant frequency in gnomAD. In silico models agree that this variant is possibly or probably damaging. In conclusion, we classify CFI p.Gly547Arg (c.1639G>A) as a likely pathogenic, low penetrance variant.

Blueprint Genetics
Classification: Uncertain significance. Last evaluated: 2018-12-12. Review status: criteria provided, single submitter. Criteria: ACMG Guidelines, 2015. Collection method: clinical testing. Allele origin: germline.

Literature cited by the submitters: PubMed 39584280 (cited by Genomenon, Inc).

NM_000204.5(CFI):c.1639G>A (p.Gly547Arg)

Gene: CFI (complement factor I; minus strand). Cytogenetic location: 4q25.
Variant type: single nucleotide variant.
Coding change: c.1639G>A on transcript NM_000204.5 (MANE Select); coding-DNA position 1639, G replaced by A.
Protein change: p.Gly547Arg; replaces glycine 547 with arginine.
Molecular consequence: missense variant. On other transcripts: 3 prime UTR variant (2), non-coding transcript variant (3), intron variant (7).
Genome position (GRCh38, 1-based): chr4:109,741,006, C>T on the plus strand (G>A on the coding strand, the complement: CFI is on the minus strand). VCF-style: chr4-109741006-C-T. GRCh37 (hg19) VCF-style: chr4-110662162-C-T.
Other names: c.1663G>A, p.Gly555Arg (NM_001318057.2); c.1618G>A, p.Gly540Arg (NM_001331035.2); c.1582G>A, p.Gly528Arg (NM_001375283.1); c.1030G>A, p.Gly344Arg (NM_001375284.1); c.1660G>A, p.Gly554Arg (NM_001440986.1); c.*339G>A (NM_001440989.1, NM_001440991.1); c.1513+1485G>A (NM_001375282.1, NM_001375280.1); c.1534+1485G>A (NM_001375281.1, NM_001375279.1); and 2 more; short protein forms G344R, G528R, G540R, G547R, G554R, G555R.
Identifiers: ClinVar variation 4280487 (VCV004280487.2).
Genomic context (GRCh38, chr4:109,741,006, plus strand): 5'-CAAAATAATTGGCCACTTTGGTGTAAACACCTGGGAACTCTGGTTTTCCACAGTTTTCCC[C>T]CCAACTCACAACACCCCAGACATAAGTCACATTGTTGGCATCCATACAGACTAAGGGGCC-3'
Protein context (NP_000195.3, residues 537-557): VTYVWGVVSW[Gly547Arg]ENCGKPEFPG